The following is an entry in ClinVar:

NM_183381.3(RNF13):c.980C>T (p.Ser327Leu)

Gene: RNF13 (ring finger protein 13; plus strand). Cytogenetic location: 3q25.1.
Variant type: single nucleotide variant.
Coding change: c.980C>T on transcript NM_183381.3 (MANE Select); coding-DNA position 980, C replaced by T.
Protein change: p.Ser327Leu; replaces serine 327 with leucine.
Molecular consequence: missense variant. On other transcripts: non-coding transcript variant (1).
Genome position (GRCh38, 1-based): chr3:149,960,938, C>T. VCF-style: chr3-149960938-C-T. GRCh37 (hg19) VCF-style: chr3-149678725-C-T.
Other names: c.980C>T, p.Ser327Leu (NM_001378285.1, NM_001378286.1, NM_007282.4); c.623C>T, p.Ser208Leu (NM_001378287.1, NM_001378288.1, NM_001378289.1 and 2 more transcripts); c.587C>T, p.Ser196Leu (NM_001378291.1); short protein forms S327L, S208L, S196L.
Identifiers: ClinVar variation 1502866 (VCV001502866.33), dbSNP rs200489974, ClinGen allele CA2663136.

ClinVar aggregate classification (germline): Conflicting classifications of pathogenicity. Review status: criteria provided, conflicting classifications (1 of 4 stars). 3 submissions from 3 submitters: Uncertain significance (1); Benign (1); Likely benign (1). Last evaluated 2025-09-27.

Allele frequency attached by ClinVar (database versions not stated): ExAC 0.00002; gnomAD exomes 0.00003 and 0.00006; gnomAD 0.00006; TOPMed 0.00006; ESP Exome Variant Server 0.00023.
gnomAD v4.1: 104 of 1,614,030 alleles (0.0064%); highest among the groups gnomAD compares: Middle Eastern, 0.016%; no homozygotes.

Submissions (3):

Labcorp Genetics (formerly Invitae), Labcorp
Classification: Benign. Last evaluated: 2025-09-27. Review status: criteria provided, single submitter. Criteria: Invitae Variant Classification Sherloc (09022015). Collection method: clinical testing. Allele origin: germline.

Ambry Genetics
Classification: Uncertain significance. Last evaluated: 2024-12-03. Review status: criteria provided, single submitter. Criteria: Ambry Variant Classification Scheme 2023. Collection method: clinical testing. Allele origin: germline.

CeGaT Center for Human Genetics Tuebingen
Classification: Likely benign. Last evaluated: 2023-11-01. Review status: criteria provided, single submitter. Criteria: CeGaT Center For Human Genetics Tuebingen Variant Classification Criteria Version 2. Collection method: clinical testing. Allele origin: germline. Affected: yes. Observed: 1 variant allele.
Comment: RNF13: BP4